The following is an entry in ClinVar:

NM_000038.6(APC):c.7274G>C (p.Ser2425Thr)

Gene: APC (APC regulator of Wnt signaling pathway; plus strand). Cytogenetic location: 5q22.2.
Variant type: single nucleotide variant.
Coding change: c.7274G>C on transcript NM_000038.6 (MANE Select); coding-DNA position 7274, G replaced by C.
Protein change: p.Ser2425Thr; replaces serine 2425 with threonine.
Molecular consequence: missense variant.
Genome position (GRCh38, 1-based): chr5:112,842,868, G>C. VCF-style: chr5-112842868-G-C. GRCh37 (hg19) VCF-style: chr5-112178565-G-C.
Other names: c.7274G>C (NM_000038.5); c.7274G>C, p.Ser2425Thr (NM_001127510.3, NM_001354895.2, NM_001407450.1); c.7220G>C, p.Ser2407Thr (NM_001127511.3); c.7328G>C, p.Ser2443Thr (NM_001354896.2, NM_001407447.1, NM_001407448.1 and 1 more transcripts); c.7304G>C, p.Ser2435Thr (NM_001354897.2); c.7199G>C, p.Ser2400Thr (NM_001354898.2); c.7190G>C, p.Ser2397Thr (NM_001354899.2); c.7151G>C, p.Ser2384Thr (NM_001354900.2); and 12 more; short protein forms S2041T, S2142T, S2265T, S2418T, S2443T, S2453T, S2296T, S2299T.
Identifiers: ClinVar variation 2177405 (VCV002177405.6), dbSNP rs1554088214, ClinGen allele CA16037170.

ClinVar aggregate classification (germline): Uncertain significance. Review status: criteria provided, multiple submitters, no conflicts (2 of 4 stars). 2 submissions from 2 submitters: Uncertain significance (2). Last evaluated 2025-07-31.

Conditions:
Hereditary cancer-predisposing syndrome. Also called: Tumor predisposition; Hereditary neoplastic syndrome; Neoplastic Syndromes, Hereditary; Hereditary Cancer Syndrome. Identifiers: Orphanet 140162, MedGen C0027672, MeSH D009386, MONDO:0015356.
Familial adenomatous polyposis 1 (FAP1). Also called: FAMILIAL ADENOMATOUS POLYPOSIS 1, ATTENUATED; POLYPOSIS, ADENOMATOUS INTESTINAL. Identifiers: MedGen C2713442, MONDO:0021056, OMIM 175100. Disease mechanism: loss of function.

Submissions (2):

Labcorp Genetics (formerly Invitae), Labcorp
Classification: Uncertain significance for Familial adenomatous polyposis 1. Last evaluated: 2025-07-31. Review status: criteria provided, single submitter. Criteria: Invitae Variant Classification Sherloc (09022015). Collection method: clinical testing. Allele origin: germline.
Comment: This sequence change replaces serine, which is neutral and polar, with threonine, which is neutral and polar, at codon 2425 of the APC protein (p.Ser2425Thr). This variant is not present in population databases (gnomAD no frequency). This variant has not been reported in the literature in individuals affected with APC-related conditions. ClinVar contains an entry for this variant (Variation ID: 2177405). Invitae Evidence Modeling of protein sequence and biophysical properties (such as structural, functional, and spatial information, amino acid conservation, physicochemical variation, residue mobility, and thermodynamic stability) indicates that this missense variant is not expected to disrupt APC protein function with a negative predictive value of 95%. In summary, the available evidence is currently insufficient to determine the role of this variant in disease. Therefore, it has been classified as a Variant of Uncertain Significance.

Ambry Genetics
Classification: Uncertain significance for Hereditary cancer-predisposing syndrome. Last evaluated: 2023-03-14. Review status: criteria provided, single submitter. Criteria: Ambry Variant Classification Scheme 2023. Collection method: clinical testing. Allele origin: germline.
Comment: The p.S2425T variant (also known as c.7274G>C), located in coding exon 15 of the APC gene, results from a G to C substitution at nucleotide position 7274. The serine at codon 2425 is replaced by threonine, an amino acid with similar properties. This amino acid position is conserved. In addition, in silico predictors for this gene do not accurately predict pathogenicity. Since supporting evidence is limited at this time, the clinical significance of this alteration remains unclear.